The following is an entry in ClinVar:

ClinVar aggregate classification (germline): Likely benign (1 of 4 stars; one submission).

Conditions:
Autosomal recessive congenital ichthyosis 4B (ARCI4B). Also called: Ichthyosis, congenital, autosomal recessive 4B (harlequin); Harlequin Fetus; ICHTHYOSIS CONGENITA, HARLEQUIN FETUS TYPE; HARLEQUIN ICHTHYOSIS. Identifiers: Orphanet 457, MedGen C0598226, MONDO:0009443, OMIM 242500.
Autosomal recessive congenital ichthyosis 4A (LI2). Also called: ICHTHYOSIS CONGENITA IIB. Identifiers: Orphanet 313, MedGen C1832550, MONDO:0011026, OMIM 601277.

Allele frequency attached by ClinVar (database versions not stated): ExAC 0.00002; gnomAD exomes 0.00002; ESP Exome Variant Server 0.00008; TOPMed 0.00008; gnomAD 0.00009; 1000 Genomes Project 30x 0.00016; 1000 Genomes Project 0.00020.
gnomAD v4.1: 43 of 1,613,926 alleles (0.0027%); highest among the groups gnomAD compares: African/African-American, 0.015%; no homozygotes.

Submission:

Labcorp Genetics (formerly Invitae), Labcorp
Classification: Likely benign. Last evaluated: 2024-03-16. Review status: criteria provided, single submitter. Criteria: Invitae Variant Classification Sherloc (09022015). Collection method: clinical testing. Allele origin: germline.

NM_173076.3(ABCA12):c.4415G>A (p.Arg1472His)

Gene: ABCA12 (ATP binding cassette subfamily A member 12; minus strand). Cytogenetic location: 2q35.
Variant type: single nucleotide variant.
Coding change: c.4415G>A on transcript NM_173076.3 (MANE Select); coding-DNA position 4415, G replaced by A.
Protein change: p.Arg1472His; replaces arginine 1472 with histidine.
Molecular consequence: missense variant. On other transcripts: non-coding transcript variant (1).
Genome position (GRCh38, 1-based): chr2:214,982,351, C>T on the plus strand (G>A on the coding strand, the complement: ABCA12 is on the minus strand). VCF-style: chr2-214982351-C-T. GRCh37 (hg19) VCF-style: chr2-215847075-C-T.
Other names: c.3461G>A, p.Arg1154His (NM_015657.4); short protein forms R1154H, R1472H.
Identifiers: ClinVar variation 1701787 (VCV001701787.6), dbSNP rs377470191, ClinGen allele CA2091473.
Genomic context (GRCh38, chr2:214,982,351, plus strand): 5'-GCTATGGATATAGATAACTTCCTCTTCATGCCTCCTGACAGTGTTCCAACTCTCTTATGA[C>T]GATGGCTATATAGTCCAGTATCTTTTAAAGTCCTTCAAAAATAATGTATGATGGTTATTT-3'
Protein context (NP_775099.2, residues 1462-1482): TLKDTGLYSH[Arg1472His]HKRVGTLSGG